The following is an entry in ClinVar:

ClinVar aggregate classification (germline): Uncertain significance. Review status: criteria provided, multiple submitters, no conflicts (2 of 4 stars). 3 submissions from 3 submitters: Uncertain significance (3). Last evaluated 2026-09-09.

Conditions:
Inborn genetic diseases. Identifiers: MedGen C0950123, MeSH D030342.
Sialuria. Also called: Sialic Acid Storage Disease; SIALURIA, FRENCH TYPE. Identifiers: Orphanet 3166, MedGen C0342853, MONDO:0010028, OMIM 269921.
GNE myopathy (NM). Also called: INCLUSION BODY MYOPATHY, HEREDITARY, AUTOSOMAL RECESSIVE; INCLUSION BODY MYOPATHY 2, AUTOSOMAL RECESSIVE; MYOPATHY, DISTAL, WITH OR WITHOUT RIMMED VACUOLES; NONAKA DISTAL MYOPATHY; IBM 2; Inclusion body myopathy autosomal recessive. Identifiers: Orphanet 602, MedGen C1853926, MONDO:0011603, OMIM 605820.

Allele frequency attached by ClinVar (database versions not stated): TOPMed below 0.00001.

Submissions (3):

Ambry Genetics
Classification: Uncertain significance for Inborn genetic diseases. Last evaluated: 2026-09-09. Review status: criteria provided, single submitter. Criteria: Ambry Variant Classification Scheme 2023. Collection method: clinical testing. Allele origin: germline.

Labcorp Genetics (formerly Invitae), Labcorp
Classification: Uncertain significance for Sialuria; GNE myopathy. Last evaluated: 2024-12-03. Review status: criteria provided, single submitter. Criteria: Invitae Variant Classification Sherloc (09022015). Collection method: clinical testing. Allele origin: germline.
Comment: This sequence change replaces valine, which is neutral and non-polar, with alanine, which is neutral and non-polar, at codon 569 of the GNE protein (p.Val569Ala). This variant is not present in population databases (gnomAD no frequency). This variant has not been reported in the literature in individuals affected with GNE-related conditions. ClinVar contains an entry for this variant (Variation ID: 1911673). Invitae Evidence Modeling of protein sequence and biophysical properties (such as structural, functional, and spatial information, amino acid conservation, physicochemical variation, residue mobility, and thermodynamic stability) has been performed for this missense variant. However, the output from this modeling did not meet the statistical confidence thresholds required to predict the impact of this variant on GNE protein function. In summary, the available evidence is currently insufficient to determine the role of this variant in disease. Therefore, it has been classified as a Variant of Uncertain Significance.

Revvity Omics, Revvity
Classification: Uncertain significance. Last evaluated: 2022-02-07. Review status: criteria provided, single submitter. Criteria: ACMG Guidelines, 2015. Collection method: clinical testing. Allele origin: germline.

NM_005476.7(GNE):c.1613T>C (p.Val538Ala)

Gene: GNE (glucosamine (UDP-N-acetyl)-2-epimerase/N-acetylmannosamine kinase; minus strand). Cytogenetic location: 9p13.3.
Variant type: single nucleotide variant.
Coding change: c.1613T>C on transcript NM_005476.7 (MANE Select); coding-DNA position 1613, T replaced by C.
Protein change: p.Val538Ala; replaces valine 538 with alanine.
Molecular consequence: missense variant. On other transcripts: intron variant (1).
Genome position (GRCh38, 1-based): chr9:36,222,797, A>G on the plus strand (T>C on the coding strand, the complement: GNE is on the minus strand). VCF-style: chr9-36222797-A-G. GRCh37 (hg19) VCF-style: chr9-36222794-A-G.
Other names: c.1706T>C (NM_001128227.2); c.1706T>C, p.Val569Ala (NM_001128227.3); c.1283T>C, p.Val428Ala (NM_001190384.3); c.1436T>C, p.Val479Ala (NM_001190388.2, NM_001374798.1); c.1460T>C, p.Val487Ala (NM_001374797.1); c.1411+576T>C (NM_001190383.3); short protein forms V538A, V569A, V479A, V487A, V428A.
Identifiers: ClinVar variation 1911673 (VCV001911673.9), dbSNP rs1175050208, ClinGen allele CA373426089.